The following is an entry in ClinVar:

NM_001085049.3(MRAS):c.547dup (p.Ser183fs)

Gene: MRAS (muscle RAS oncogene homolog; plus strand). Cytogenetic location: 3q22.3.
Variant type: Duplication.
Coding change: c.547dup on transcript NM_001085049.3 (MANE Select); coding-DNA position 547, one base duplicated (A; older notation c.547dupA).
Protein change: p.Ser183fs; shifts the reading frame from serine 183.
Molecular consequence: frameshift variant.
Genome position (GRCh38, 1-based): chr3:138,402,189, A duplicated; the last of 6 consecutive A bases (chr3:138,402,184-138,402,189); duplicating any one gives the same sequence. VCF-style (leftmost placement, unchanged base first): chr3-138402183-G-GA. GRCh37 (hg19) VCF-style: chr3-138121025-G-GA.
Other names: c.547dup, p.Ser183fs (NM_001252090.2, NM_012219.4); c.319dup, p.Ser107fs (NM_001252091.1, NM_001252092.2, NM_001252093.2); short protein forms S107fs, S183fs.
Identifiers: ClinVar variation 3722170 (VCV003722170.2).

ClinVar aggregate classification (germline): Uncertain significance (1 of 4 stars; one submission).

Submission:

Labcorp Genetics (formerly Invitae), Labcorp
Classification: Uncertain significance. Last evaluated: 2024-10-03. Review status: criteria provided, single submitter. Criteria: Invitae Variant Classification Sherloc (09022015). Collection method: clinical testing. Allele origin: germline.
Comment: This sequence change results in a frameshift in the MRAS gene (p.Ser183Lysfs*36). While this is not anticipated to result in nonsense mediated decay, it is expected to disrupt the last 26 amino acid(s) of the MRAS protein and extend the protein by 9 additional amino acid residues. This variant is not present in population databases (gnomAD no frequency). This variant has not been reported in the literature in individuals affected with MRAS-related conditions. Experimental studies and prediction algorithms are not available or were not evaluated, and the functional significance of this variant is currently unknown. In summary, the available evidence is currently insufficient to determine the role of this variant in disease. Therefore, it has been classified as a Variant of Uncertain Significance.